The following is an entry in ClinVar:

ClinVar aggregate classification (germline): Uncertain significance (1 of 4 stars; one submission).

Conditions:
RYR1-related disorder. Also called: RYR1-related condition; RYR1-related disorders. Identifiers: MedGen CN239331.

gnomAD v4.1: 2 of 1,613,130 alleles (0.00012%); highest among the groups gnomAD compares: Middle Eastern, 0.016%; no homozygotes.

Submission:

Labcorp Genetics (formerly Invitae), Labcorp
Classification: Uncertain significance for RYR1-related disorder. Last evaluated: 2025-07-09. Review status: criteria provided, single submitter. Criteria: Invitae Variant Classification Sherloc (09022015). Collection method: clinical testing. Allele origin: germline.
Comment: This sequence change replaces alanine, which is neutral and non-polar, with threonine, which is neutral and polar, at codon 1708 of the RYR1 protein (p.Ala1708Thr). This variant is not present in population databases (gnomAD no frequency). This variant has not been reported in the literature in individuals affected with RYR1-related conditions. Invitae Evidence Modeling of protein sequence and biophysical properties (such as structural, functional, and spatial information, amino acid conservation, physicochemical variation, residue mobility, and thermodynamic stability) indicates that this missense variant is not expected to disrupt RYR1 protein function with a negative predictive value of 80%. In summary, the available evidence is currently insufficient to determine the role of this variant in disease. Therefore, it has been classified as a Variant of Uncertain Significance.

NM_000540.3(RYR1):c.5122G>A (p.Ala1708Thr)

Gene: RYR1 (ryanodine receptor 1; plus strand). Cytogenetic location: 19q13.2.
Variant type: single nucleotide variant.
Coding change: c.5122G>A on transcript NM_000540.3 (MANE Select); coding-DNA position 5122, G replaced by A.
Protein change: p.Ala1708Thr; replaces alanine 1708 with threonine.
Molecular consequence: missense variant.
Genome position (GRCh38, 1-based): chr19:38,485,777, G>A. VCF-style: chr19-38485777-G-A. GRCh37 (hg19) VCF-style: chr19-38976417-G-A.
Other names: c.5122G>A, p.Ala1708Thr (NM_001042723.2); short protein forms A1708T.
Identifiers: ClinVar variation 4693206 (VCV004693206.1).